The following is an entry in ClinVar:

ClinVar aggregate classification (germline): Likely benign (0 of 4 stars; one submission).

Conditions:
TENM1-related disorder. Also called: TENM1-related condition.

Allele frequency attached by ClinVar (database versions not stated): gnomAD exomes 0.00013; ESP Exome Variant Server 0.00028; gnomAD 0.00030; TOPMed 0.00035; ExAC 0.00042; 1000 Genomes Project 0.00079; 1000 Genomes Project 30x 0.00104.
gnomAD v4.1: 198 of 1,209,910 alleles (0.016%); highest among the groups gnomAD compares: East Asian, 0.42%; 1 homozygote.

Submission:

PreventionGenetics, part of Exact Sciences
Classification: Likely benign for TENM1-related condition. Last evaluated: 2019-12-24. Review status: no assertion criteria provided. Collection method: clinical testing. Allele origin: germline.
Comment: This variant is classified as likely benign based on ACMG/AMP sequence variant interpretation guidelines (Richards et al. 2015 PMID: 25741868, with internal and published modifications).

NM_001163278.2(TENM1):c.5301G>T (p.Leu1767Phe)

Gene: TENM1 (teneurin transmembrane protein 1; minus strand). Cytogenetic location: Xq25.
Variant type: single nucleotide variant.
Coding change: c.5301G>T on transcript NM_001163278.2 (MANE Select); coding-DNA position 5301, G replaced by T.
Protein change: p.Leu1767Phe; replaces leucine 1767 with phenylalanine.
Molecular consequence: missense variant.
Genome position (GRCh38, 1-based): chrX:124,405,121, C>A on the plus strand (G>T on the coding strand, the complement: TENM1 is on the minus strand). VCF-style: chrX-124405121-C-A. GRCh37 (hg19) VCF-style: chrX-123538971-C-A.
Other names: c.5298G>T, p.Leu1766Phe (NM_001163279.1); c.5280G>T, p.Leu1760Phe (NM_014253.3); short protein forms L1760F, L1766F, L1767F.
Identifiers: ClinVar variation 3045026 (VCV003045026.2), dbSNP rs201026636, ClinGen allele CA10509648.